The following is an entry in ClinVar:

NM_000179.3(MSH6):c.3916G>C (p.Ala1306Pro)

Gene: MSH6 (mutS homolog 6; plus strand). Cytogenetic location: 2p16.3.
Variant type: single nucleotide variant.
Coding change: c.3916G>C on transcript NM_000179.3 (MANE Select); coding-DNA position 3916, G replaced by C.
Protein change: p.Ala1306Pro; replaces alanine 1306 with proline.
Molecular consequence: missense variant. On other transcripts: non-coding transcript variant (5), intron variant (1).
Genome position (GRCh38, 1-based): chr2:47,806,566, G>C. VCF-style: chr2-47806566-G-C. GRCh37 (hg19) VCF-style: chr2-48033705-G-C.
Other names: c.3526G>C, p.Ala1176Pro (NM_001281492.2); c.3010G>C, p.Ala1004Pro (NM_001281493.2, NM_001281494.2, NM_001406811.1 and 6 more transcripts); c.4012G>C, p.Ala1338Pro (NM_001406795.1); c.3916G>C, p.Ala1306Pro (NM_001406796.1, NM_001406808.1, NM_001406809.1); c.3619G>C, p.Ala1207Pro (NM_001406797.1, NM_001406818.1, NM_001406819.1 and 10 more transcripts); c.3742G>C, p.Ala1248Pro (NM_001406798.1); c.3922G>C, p.Ala1308Pro (NM_001406813.1); c.2350G>C, p.Ala784Pro (NM_001406817.1); and 9 more; short protein forms A621P, A784P, L1301F, A1131P, A1207P, A1250P, A1308P, A255P.
Identifiers: ClinVar variation 4657677 (VCV004657677.3).
Genomic context (GRCh38, chr2:47,806,566, plus strand): 5'-CTCTATAAATTCATTAAGGGAGCTTGTCCTAAAAGCTATGGCTTTAATGCAGCAAGGCTT[G>C]CTAATCTCCCAGAGGAAGTTATTCAAAAGGGACATAGAAAAGCAAGAGAATTTGAGAAGA-3'
Protein context (NP_000170.1, residues 1296-1316): KSYGFNAARL[Ala1306Pro]NLPEEVIQKG

ClinVar aggregate classification (germline): Uncertain significance. Review status: criteria provided, multiple submitters, no conflicts (2 of 4 stars). 2 submissions from 2 submitters: Uncertain significance (2). Last evaluated 2026-08-14.

Conditions:
Hereditary nonpolyposis colorectal neoplasms. Identifiers: MedGen C0009405, MeSH D003123.
Hereditary cancer-predisposing syndrome. Also called: Hereditary Cancer Syndrome; Hereditary neoplastic syndrome; Neoplastic Syndromes, Hereditary; Tumor predisposition. Identifiers: Orphanet 140162, MedGen C0027672, MeSH D009386, MONDO:0015356.

Submissions (2):

Ambry Genetics
Classification: Uncertain significance for Hereditary cancer-predisposing syndrome. Last evaluated: 2026-08-14. Review status: criteria provided, single submitter. Criteria: Ambry Variant Classification Scheme 2023. Collection method: clinical testing. Allele origin: germline.
Comment: The p.A1306P variant (also known as c.3916G>C), located in coding exon 9 of the MSH6 gene, results from a G to C substitution at nucleotide position 3916. The alanine at codon 1306 is replaced by proline, an amino acid with highly similar properties. This amino acid position is highly conserved in available vertebrate species. In addition, this alteration is predicted to be deleterious by in silico analysis. Based on the available evidence, the clinical significance of this variant remains unclear.

Labcorp Genetics (formerly Invitae), Labcorp
Classification: Uncertain significance for Hereditary nonpolyposis colorectal neoplasms. Last evaluated: 2025-10-20. Review status: criteria provided, single submitter. Criteria: Invitae Variant Classification Sherloc (09022015). Collection method: clinical testing. Allele origin: germline.
Comment: This sequence change replaces alanine, which is neutral and non-polar, with proline, which is neutral and non-polar, at codon 1306 of the MSH6 protein (p.Ala1306Pro). This variant is not present in population databases (gnomAD no frequency). This variant has not been reported in the literature in individuals affected with MSH6-related conditions. Invitae Evidence Modeling of protein sequence and biophysical properties (such as structural, functional, and spatial information, amino acid conservation, physicochemical variation, residue mobility, and thermodynamic stability) indicates that this missense variant is expected to disrupt MSH6 protein function with a positive predictive value of 80%. In summary, the available evidence is currently insufficient to determine the role of this variant in disease. Therefore, it has been classified as a Variant of Uncertain Significance.